The following is an entry in ClinVar:

ClinVar aggregate classification (germline): Pathogenic/Likely pathogenic. Review status: criteria provided, multiple submitters, no conflicts (2 of 4 stars). 2 submissions from 2 submitters: Pathogenic (1); Likely pathogenic (1). Last evaluated 2025-03-13.

Conditions:
USH2A-related disorder. Also called: USH2A-related disorders; USH2A-related condition. Identifiers: MedGen CN239332.

gnomAD v4.1: 7 of 1,613,950 alleles (0.00043%); highest among the groups gnomAD compares: Non-Finnish European, 0.00051%; no homozygotes.

Submissions (2):

Labcorp Genetics (formerly Invitae), Labcorp
Classification: Pathogenic. Last evaluated: 2025-03-13. Review status: criteria provided, single submitter. Criteria: Invitae Variant Classification Sherloc (09022015). Collection method: clinical testing. Allele origin: germline.
Comment: This sequence change creates a premature translational stop signal (p.Ser633*) in the USH2A gene. It is expected to result in an absent or disrupted protein product. Loss-of-function variants in USH2A are known to be pathogenic (PMID: 10729113, 10909849, 20507924, 25649381). This variant is present in population databases (rs373190681, gnomAD 0.0009%). This premature translational stop signal has been observed in individual(s) with Usher syndrome (PMID: 24944099). ClinVar contains an entry for this variant (Variation ID: 2202978). Algorithms developed to predict the effect of sequence changes on RNA splicing suggest that this variant may disrupt the consensus splice site. For these reasons, this variant has been classified as Pathogenic.

Blueprint Genetics
Classification: Likely pathogenic for USH2A-related disorders. Last evaluated: 2019-09-12. Review status: criteria provided, single submitter. Criteria: ACMG Guidelines, 2015. Collection method: clinical testing. Allele origin: germline. Affected: yes. Observed: 2 variant alleles.

Literature cited by the submitters: PubMed 10729113 (cited by Labcorp Genetics (formerly Invitae), Labcorp); PubMed 10909849 (cited by Labcorp Genetics (formerly Invitae), Labcorp); PubMed 20507924 (cited by Labcorp Genetics (formerly Invitae), Labcorp); PubMed 25649381 (cited by Labcorp Genetics (formerly Invitae), Labcorp); PubMed 24944099 (cited by Labcorp Genetics (formerly Invitae), Labcorp).

NM_206933.4(USH2A):c.1898C>A (p.Ser633Ter)

Gene: USH2A (usherin; minus strand). Cytogenetic location: 1q41.
Variant type: single nucleotide variant.
Coding change: c.1898C>A on transcript NM_206933.4 (MANE Select); coding-DNA position 1898, C replaced by A.
Protein change: p.Ser633Ter; replaces serine 633 with a stop codon.
Molecular consequence: nonsense.
Genome position (GRCh38, 1-based): chr1:216,289,353, G>T on the plus strand (C>A on the coding strand, the complement: USH2A is on the minus strand). VCF-style: chr1-216289353-G-T. GRCh37 (hg19) VCF-style: chr1-216462695-G-T.
Other names: c.1898C>A, p.Ser633Ter (NM_007123.6); short protein forms S633*.
Identifiers: ClinVar variation 2202978 (VCV002202978.5), dbSNP rs373190681, ClinGen allele CA1396364.